The following is an entry in ClinVar:

NM_006329.4(FBLN5):c.418C>T (p.Pro140Ser)

Gene: FBLN5 (fibulin 5; minus strand). Cytogenetic location: 14q32.12.
Variant type: single nucleotide variant.
Coding change: c.418C>T on transcript NM_006329.4 (MANE Select); coding-DNA position 418, C replaced by T.
Protein change: p.Pro140Ser; replaces proline 140 with serine.
Molecular consequence: missense variant.
Genome position (GRCh38, 1-based): chr14:91,895,034, G>A on the plus strand (C>T on the coding strand, the complement: FBLN5 is on the minus strand). VCF-style: chr14-91895034-G-A. GRCh37 (hg19) VCF-style: chr14-92361378-G-A.
Other names: c.541C>T, p.Pro181Ser (NM_001384158.1); c.469C>T, p.Pro157Ser (NM_001384159.1); c.418C>T, p.Pro140Ser (NM_001384160.1); c.250C>T, p.Pro84Ser (NM_001384161.1, NM_001384162.1); short protein forms P140S, P157S, P181S, P84S.
Identifiers: ClinVar variation 1718746 (VCV001718746.5), dbSNP rs957875414, ClinGen allele CA265601635.

ClinVar aggregate classification (germline): Uncertain significance (1 of 4 stars; one submission).

Submission:

Labcorp Genetics (formerly Invitae), Labcorp
Classification: Uncertain significance. Last evaluated: 2022-10-18. Review status: criteria provided, single submitter. Criteria: Invitae Variant Classification Sherloc (09022015). Collection method: clinical testing. Allele origin: germline.
Comment: In summary, the available evidence is currently insufficient to determine the role of this variant in disease. Therefore, it has been classified as a Variant of Uncertain Significance. Advanced modeling of protein sequence and biophysical properties (such as structural, functional, and spatial information, amino acid conservation, physicochemical variation, residue mobility, and thermodynamic stability) performed at Invitae indicates that this missense variant is not expected to disrupt FBLN5 protein function. This variant has not been reported in the literature in individuals affected with FBLN5-related conditions. This variant is not present in population databases (gnomAD no frequency). This sequence change replaces proline, which is neutral and non-polar, with serine, which is neutral and polar, at codon 140 of the FBLN5 protein (p.Pro140Ser).